The following is an entry in ClinVar:

ClinVar aggregate classification (germline): Uncertain significance. Review status: reviewed by expert panel (3 of 4 stars). 2 submissions from 2 submitters: Uncertain significance (1). 1 of the submissions does not count toward it. Last evaluated 2024-05-07.

Conditions:
Recombinase activating gene 2 deficiency. Also called: RAG2 deficiency. Identifiers: MedGen CN257931, MONDO:0000573.
Combined immunodeficiency with skin granulomas. Identifiers: Orphanet 157949, MedGen C2673536, MONDO:0009306, OMIM 233650.
Severe combined immunodeficiency, autosomal recessive, T cell-negative, B cell-negative, NK cell-positive. Also called: SCID, T CELL-NEGATIVE, B CELL-NEGATIVE, NK CELL-POSITIVE; SCID, AR, T-cell negative, B-cell negative, NK cell-positive; Severe combined immunodeficiency due to complete RAG1/2 deficiency. Identifiers: Orphanet 331206, MedGen C1832322, MONDO:0011086, OMIM 601457.

Allele frequency attached by ClinVar (database versions not stated): gnomAD exomes below 0.00001; gnomAD 0.00001; TOPMed 0.00001.
gnomAD v4.1: 2 of 1,612,932 alleles (0.00012%); highest among the groups gnomAD compares: Admixed American, 0.0033%; no homozygotes.

Submissions (2):

ClinGen Severe Combined Immunodeficiency Variant Curation Expert Panel, ClinGen
Classification: Uncertain significance for Recombinase activating gene 2 deficiency. Last evaluated: 2024-05-07. Review status: reviewed by expert panel. Criteria: ClinGen SCID ACMG Specifications RAG2 V1.0.0. Collection method: curation. Allele origin: germline. Inheritance: Autosomal recessive inheritance.
Comment: NM_000536.4(RAG2):c.25A>G is a missense variant predicted to cause substitution of Serine by Glycine at amino acid 9 (p.Ser9Gly).This missense variant is located in the core domain (amino acids 1-383) (PM1_supporting).The highest population minor allele frequency in gnomAD v4 is 0.00003333 (2/60006) in Admixed American population which is lower than the ClinGen SCID VCEP threshold (<0.0000588) for PM2_Supporting, and therefore meets this criterion (PM2_Supporting).To our knowledge, this variant has not been reported in the literature in individuals affected with RAG2 related conditions or in functional studies. In summary, this variant meets the criteria to be classified as a variant of uncertain significance for autosomal recessive severe combined immunodeficiency due to RAG2 deficiency based on the ACMG/AMP criteria applied, as specified by the ClinGen SCID VCEP:PM1_supporting, PM2_supporting (VCEP specifications version 1).

Labcorp Genetics (formerly Invitae), Labcorp
Classification: Uncertain significance for Combined immunodeficiency with skin granulomas; Severe combined immunodeficiency, autosomal recessive, T cell-negative, B cell-negative, NK cell-positive. Last evaluated: 2022-07-11. Review status: criteria provided, single submitter. Criteria: Invitae Variant Classification Sherloc (09022015). Collection method: clinical testing. Allele origin: germline. Not counted in ClinVar's aggregate classification.
Comment: This sequence change replaces serine, which is neutral and polar, with glycine, which is neutral and non-polar, at codon 9 of the RAG2 protein (p.Ser9Gly). This variant is not present in population databases (gnomAD no frequency). This variant has not been reported in the literature in individuals affected with RAG2-related conditions. ClinVar contains an entry for this variant (Variation ID: 1349574). Advanced modeling of protein sequence and biophysical properties (such as structural, functional, and spatial information, amino acid conservation, physicochemical variation, residue mobility, and thermodynamic stability) performed at Invitae indicates that this missense variant is not expected to disrupt RAG2 protein function. In summary, the available evidence is currently insufficient to determine the role of this variant in disease. Therefore, it has been classified as a Variant of Uncertain Significance.

NM_000536.4(RAG2):c.25A>G (p.Ser9Gly)

Gene: RAG2 (recombination activating 2; minus strand). Cytogenetic location: 11p12.
Variant type: single nucleotide variant.
Coding change: c.25A>G on transcript NM_000536.4 (MANE Select); coding-DNA position 25, A replaced by G.
Protein change: p.Ser9Gly; replaces serine 9 with glycine.
Molecular consequence: missense variant.
Genome position (GRCh38, 1-based): chr11:36,594,144, T>C on the plus strand (A>G on the coding strand, the complement: RAG2 is on the minus strand). VCF-style: chr11-36594144-T-C. GRCh37 (hg19) VCF-style: chr11-36615694-T-C.
Other names: NM_000536.4(RAG2):c.25A>G; p.Ser9Gly; c.25A>G, p.Ser9Gly (NM_001243785.2, NM_001243786.2); short protein forms S9G.
Identifiers: ClinVar variation 1349574 (VCV001349574.5), dbSNP rs1851108332, ClinGen allele CA380145206.